The following is an entry in ClinVar:

NM_000234.3(LIG1):c.2232G>A (p.Lys744=)

Gene: LIG1 (DNA ligase 1; minus strand). Cytogenetic location: 19q13.33.
Variant type: single nucleotide variant.
Coding change: c.2232G>A on transcript NM_000234.3 (MANE Select); coding-DNA position 2232, G replaced by A.
Protein change: p.Lys744=; no amino-acid change (lysine 744 retained).
Molecular consequence: synonymous variant. On other transcripts: non-coding transcript variant (6).
Genome position (GRCh38, 1-based): chr19:48,122,934, C>T on the plus strand (G>A on the coding strand, the complement: LIG1 is on the minus strand). VCF-style: chr19-48122934-C-T. GRCh37 (hg19) VCF-style: chr19-48626191-C-T.
Other names: c.2139G>A, p.Lys713= (NM_001289063.2); c.2028G>A, p.Lys676= (NM_001289064.2); c.2229G>A, p.Lys743= (NM_001320970.2); c.2142G>A, p.Lys714= (NM_001320971.2).
Identifiers: ClinVar variation 1918856 (VCV001918856.4), dbSNP rs1222844874, ClinGen allele CA508014175.

ClinVar aggregate classification (germline): Uncertain significance (1 of 4 stars; one submission).

Allele frequency attached by ClinVar (database versions not stated): TOPMed below 0.00001; gnomAD 0.00001; gnomAD exomes 0.00001.
gnomAD v4.1: 8 of 1,613,240 alleles (0.0005%); highest among the groups gnomAD compares: Non-Finnish European, 0.00068%; no homozygotes.

Submission:

Labcorp Genetics (formerly Invitae), Labcorp
Classification: Uncertain significance. Last evaluated: 2024-10-16. Review status: criteria provided, single submitter. Criteria: Invitae Variant Classification Sherloc (09022015). Collection method: clinical testing. Allele origin: germline.
Comment: This sequence change affects codon 744 of the LIG1 mRNA. It is a 'silent' change, meaning that it does not change the encoded amino acid sequence of the LIG1 protein. This variant also falls at the last nucleotide of exon 23, which is part of the consensus splice site for this exon. This variant is present in population databases (no rsID available, gnomAD 0.007%). This variant has not been reported in the literature in individuals affected with LIG1-related conditions. ClinVar contains an entry for this variant (Variation ID: 1918856). Variants that disrupt the consensus splice site are a relatively common cause of aberrant splicing (PMID: 17576681, 9536098). Algorithms developed to predict the effect of sequence changes on RNA splicing suggest that this variant may disrupt the consensus splice site. In summary, the available evidence is currently insufficient to determine the role of this variant in disease. Therefore, it has been classified as a Variant of Uncertain Significance.

Literature cited by the submitters: PubMed 17576681; PubMed 9536098.